The following is an entry in ClinVar:

ClinVar aggregate classification (germline): Uncertain significance. Review status: criteria provided, multiple submitters, no conflicts (2 of 4 stars). 2 submissions from 2 submitters: Uncertain significance (2). Last evaluated 2026-01-05.

Allele frequency attached by ClinVar (database versions not stated): gnomAD exomes below 0.00001 and 0.00001; gnomAD 0.00002; TOPMed 0.00002.
gnomAD v4.1: 10 of 1,605,658 alleles (0.00062%); highest among the groups gnomAD compares: African/African-American, 0.0094%; no homozygotes.

Submissions (2):

Labcorp Genetics (formerly Invitae), Labcorp
Classification: Uncertain significance. Last evaluated: 2026-01-05. Review status: criteria provided, single submitter. Criteria: Invitae Variant Classification Sherloc (09022015). Collection method: clinical testing. Allele origin: germline.
Comment: This sequence change replaces histidine, which is basic and polar, with arginine, which is basic and polar, at codon 841 of the PTPN23 protein (p.His841Arg). This variant is present in population databases (no rsID available, gnomAD 0.007%). This variant has not been reported in the literature in individuals affected with PTPN23-related conditions. ClinVar contains an entry for this variant (Variation ID: 1317068). An algorithm developed to predict the effect of missense changes on protein structure and function outputs the following: PolyPhen-2: "Not Available". The arginine amino acid residue is found in multiple mammalian species, which suggests that this missense change does not adversely affect protein function. In summary, the available evidence is currently insufficient to determine the role of this variant in disease. Therefore, it has been classified as a Variant of Uncertain Significance.

GeneDx
Classification: Uncertain significance. Last evaluated: 2020-01-28. Review status: criteria provided, single submitter. Criteria: GeneDx Variant Classification Process June 2021. Collection method: clinical testing. Allele origin: germline. Affected: yes.
Comment: Not observed at a significant frequency in large population cohorts (Lek et al., 2016); In silico analysis, which includes protein predictors and evolutionary conservation, supports that this variant does not alter protein structure/function; Has not been previously published as pathogenic or benign to our knowledge

NM_015466.4(PTPN23):c.2522A>G (p.His841Arg)

Gene: PTPN23 (protein tyrosine phosphatase non-receptor type 23; plus strand). Cytogenetic location: 3p21.31.
Variant type: single nucleotide variant.
Coding change: c.2522A>G on transcript NM_015466.4 (MANE Select); coding-DNA position 2522, A replaced by G.
Protein change: p.His841Arg; replaces histidine 841 with arginine.
Molecular consequence: missense variant.
Genome position (GRCh38, 1-based): chr3:47,410,320, A>G. VCF-style: chr3-47410320-A-G. GRCh37 (hg19) VCF-style: chr3-47451810-A-G.
Other names: c.2144A>G, p.His715Arg (NM_001304482.2); short protein forms H715R, H841R.
Identifiers: ClinVar variation 1317068 (VCV001317068.9), dbSNP rs1014335331, ClinGen allele CA73880330.